The following is an entry in ClinVar:

ClinVar aggregate classification (germline): Conflicting classifications of pathogenicity. Review status: criteria provided, conflicting classifications (1 of 4 stars). 4 submissions from 4 submitters: Likely pathogenic (1); Uncertain significance (3). Last evaluated 2024-06-04.

Conditions:
Macrocephaly, dysmorphic facies, and psychomotor retardation (MDFPMR). Identifiers: Orphanet 457359, MedGen C4310766, MONDO:0014863, OMIM 617011.
Inborn genetic diseases. Identifiers: MedGen C0950123, MeSH D030342.

Allele frequency attached by ClinVar (database versions not stated): gnomAD 0.00001; gnomAD exomes 0.00001; TOPMed 0.00001; ExAC 0.00003; ESP Exome Variant Server 0.00008; 1000 Genomes Project 0.00020; 1000 Genomes Project 30x 0.00031.
gnomAD v4.1: 23 of 1,613,716 alleles (0.0014%); highest among the groups gnomAD compares: East Asian, 0.0022%; no homozygotes.

Submissions (4):

GeneDx
Classification: Likely pathogenic. Last evaluated: 2024-06-04. Review status: criteria provided, single submitter. Criteria: GeneDx Variant Classification Process June 2021. Collection method: clinical testing. Allele origin: germline. Affected: yes.
Comment: In silico analysis supports that this missense variant has a deleterious effect on protein structure/function; Has not been previously published as pathogenic or benign to our knowledge; Not observed at significant frequency in large population cohorts (gnomAD)

Laboratorio de Genetica e Diagnostico Molecular, Hospital Israelita Albert Einstein
Classification: Uncertain significance for Macrocephaly, dysmorphic facies, and psychomotor retardation. Last evaluated: 2024-05-14. Review status: criteria provided, single submitter. Criteria: ACMG Guidelines, 2015. Collection method: clinical testing. Allele origin: germline. Affected: yes.
Comment: ACMG classification criteria: PM2 supporting, PP2 supporting

Labcorp Genetics (formerly Invitae), Labcorp
Classification: Uncertain significance. Last evaluated: 2022-10-12. Review status: criteria provided, single submitter. Criteria: Invitae Variant Classification Sherloc (09022015). Collection method: clinical testing. Allele origin: germline.
Comment: In summary, the available evidence is currently insufficient to determine the role of this variant in disease. Therefore, it has been classified as a Variant of Uncertain Significance. Advanced modeling of protein sequence and biophysical properties (such as structural, functional, and spatial information, amino acid conservation, physicochemical variation, residue mobility, and thermodynamic stability) performed at Invitae indicates that this missense variant is expected to disrupt HERC1 protein function. ClinVar contains an entry for this variant (Variation ID: 985584). This variant has not been reported in the literature in individuals affected with HERC1-related conditions. This variant is present in population databases (rs374249242, gnomAD 0.004%). This sequence change replaces arginine, which is basic and polar, with histidine, which is basic and polar, at codon 4829 of the HERC1 protein (p.Arg4829His).

Ambry Genetics
Classification: Uncertain significance for Inborn genetic diseases. Last evaluated: 2020-02-25. Review status: criteria provided, single submitter. Criteria: Ambry Variant Classification Scheme 2023. Collection method: clinical testing. Allele origin: germline.
Comment: The alteration results in an amino acid change:_x000D_ _x000D_ The c.14486G>A (p.R4829H) alteration is located in coding exon 77 of the HERC1 gene. This alteration results from a G to A substitution at nucleotide position 14486, causing the arginine (R) at amino acid position 4829 to be replaced by a histidine (H). The alteration is rare in population databases: _x000D_ _x000D_ Based on data from the Genome Aggregation Database (gnomAD), the c.14486G>A alteration was observed in 0.001% (4/279406) of total alleles studied. The altered amino acid is conserved throughout evolution:_x000D_ _x000D_ The R4829 amino acid is conserved in available vertebrate species. in silico prediction is inconclusive:_x000D_ _x000D_ The in silico prediction for the R4829H alteration is inconclusive. Based on insufficient or conflicting evidence, the clinical significance of this alteration remains unclear.

NM_003922.4(HERC1):c.14486G>A (p.Arg4829His)

Gene: HERC1 (HECT and RLD domain containing E3 ubiquitin protein ligase family member 1; minus strand). Cytogenetic location: 15q22.31.
Variant type: single nucleotide variant.
Coding change: c.14486G>A on transcript NM_003922.4 (MANE Select); coding-DNA position 14486, G replaced by A.
Protein change: p.Arg4829His; replaces arginine 4829 with histidine.
Molecular consequence: missense variant.
Genome position (GRCh38, 1-based): chr15:63,609,181, C>T on the plus strand (G>A on the coding strand, the complement: HERC1 is on the minus strand). VCF-style: chr15-63609181-C-T. GRCh37 (hg19) VCF-style: chr15-63901380-C-T.
Other names: short protein forms R4829H.
Identifiers: ClinVar variation 985584 (VCV000985584.10), dbSNP rs374249242, ClinGen allele CA7603473.